The following is an entry in ClinVar:

NM_006269.2(RP1):c.1375C>A (p.Gln459Lys)

Gene: RP1 (RP1 axonemal microtubule associated; plus strand). Cytogenetic location: 8q12.1.
Variant type: single nucleotide variant.
Coding change: c.1375C>A on transcript NM_006269.2 (MANE Select); coding-DNA position 1375, C replaced by A.
Protein change: p.Gln459Lys; replaces glutamine 459 with lysine.
Molecular consequence: missense variant. On other transcripts: intron variant (1).
Genome position (GRCh38, 1-based): chr8:54,625,257, C>A. VCF-style: chr8-54625257-C-A. GRCh37 (hg19) VCF-style: chr8-55537817-C-A.
Other names: c.787+2969C>A (NM_001375654.1); short protein forms Q459K.
Identifiers: ClinVar variation 998891 (VCV000998891.8), dbSNP rs901533341, ClinGen allele CA370990135.
Genomic context (GRCh38, chr8:54,625,257, plus strand): 5'-CAAGACCAAGCAAAGCATCGTTTTTATAGGCCCCCTACACCTGGACTAAGAAGAGTGAGA[C>A]AAAAGAAATCTGTGATTGGCAGTGTGACCTTAGTATCTGAAACTGAGGTTCAAGAGAAAA-3'
Protein context (NP_006260.1, residues 449-469): PPTPGLRRVR[Gln459Lys]KKSVIGSVTL

ClinVar aggregate classification (germline): Uncertain significance (1 of 4 stars; one submission).

gnomAD v4.1: 1 of 1,614,064 alleles (0.000062%); highest among the groups gnomAD compares: South Asian, 0.0011%; no homozygotes.

Submission:

Labcorp Genetics (formerly Invitae), Labcorp
Classification: Uncertain significance. Last evaluated: 2022-11-08. Review status: criteria provided, single submitter. Criteria: Invitae Variant Classification Sherloc (09022015). Collection method: clinical testing. Allele origin: germline.
Comment: This sequence change replaces glutamine, which is neutral and polar, with lysine, which is basic and polar, at codon 459 of the RP1 protein (p.Gln459Lys). This variant is not present in population databases (gnomAD no frequency). This variant has not been reported in the literature in individuals affected with RP1-related conditions. ClinVar contains an entry for this variant (Variation ID: 998891). In summary, the available evidence is currently insufficient to determine the role of this variant in disease. Therefore, it has been classified as a Variant of Uncertain Significance. Algorithms developed to predict the effect of missense changes on protein structure and function output the following: SIFT: "Tolerated"; PolyPhen-2: "Benign"; Align-GVGD: "Class C0". The lysine amino acid residue is found in multiple mammalian species, which suggests that this missense change does not adversely affect protein function.